The following is an entry in ClinVar:

ClinVar aggregate classification (germline): Uncertain significance (1 of 4 stars; one submission).

Conditions:
MRAP2-related disorder. Also called: MRAP2-related condition.

Submission:

PreventionGenetics, part of Exact Sciences
Classification: Uncertain significance for MRAP2-related condition. Last evaluated: 2026-07-23. Review status: criteria provided, single submitter. Criteria: ACMG Guidelines, 2015. Collection method: clinical testing. Allele origin: germline.
Comment: The MRAP2 c.60G>C variant is predicted to result in the amino acid substitution p.Arg20Ser. To our knowledge, this variant has not been reported in the literature or in a large population database (gnomAD), indicating this variant is rare. At this time, the clinical significance of this variant is uncertain due to the absence of conclusive functional and genetic evidence.

NM_138409.4(MRAP2):c.228-1812G>C

Gene: MRAP2 (melanocortin 2 receptor accessory protein 2; plus strand). Cytogenetic location: 6q14.2.
Variant type: single nucleotide variant.
Coding change: c.228-1812G>C on transcript NM_138409.4 (MANE Select); 1812 bases into the intron before coding-DNA position 228, G replaced by C.
Molecular consequence: intron variant. On other transcripts: missense variant (1).
Genome position (GRCh38, 1-based): chr6:84,087,279, G>C. VCF-style: chr6-84087279-G-C. GRCh37 (hg19) VCF-style: chr6-84796998-G-C.
Other names: c.60G>C, p.Arg20Ser (NM_001346543.2); c.228-1812G>C (NM_001346542.2, NM_001346544.2); c.-31-1812G>C (NM_001346541.2); short protein forms R20S.
Identifiers: ClinVar variation 4991309 (VCV004991309.1).